The following is an entry in ClinVar:

ClinVar aggregate classification (germline): Uncertain significance (1 of 4 stars; one submission).

Allele frequency attached by ClinVar (database versions not stated): gnomAD exomes below 0.00001; TOPMed below 0.00001.
gnomAD v4.1: 3 of 1,610,510 alleles (0.00019%); highest among the groups gnomAD compares: Non-Finnish European, 0.00025%; no homozygotes.

Submission:

Labcorp Genetics (formerly Invitae), Labcorp
Classification: Uncertain significance. Last evaluated: 2021-07-08. Review status: criteria provided, single submitter. Criteria: Invitae Variant Classification Sherloc (09022015). Collection method: clinical testing. Allele origin: germline.
Comment: Algorithms developed to predict the effect of missense changes on protein structure and function are either unavailable or do not agree on the potential impact of this missense change (SIFT: "Deleterious"; PolyPhen-2: "Probably Damaging"; Align-GVGD: "Class C0"). This variant has not been reported in the literature in individuals affected with PEX3-related conditions. This variant is not present in population databases (ExAC no frequency). This sequence change replaces leucine with phenylalanine at codon 205 of the PEX3 protein (p.Leu205Phe). The leucine residue is highly conserved and there is a small physicochemical difference between leucine and phenylalanine. In summary, the available evidence is currently insufficient to determine the role of this variant in disease. Therefore, it has been classified as a Variant of Uncertain Significance.

NM_003630.3(PEX3):c.615G>C (p.Leu205Phe)

Gene: PEX3 (peroxisomal biogenesis factor 3; plus strand). Cytogenetic location: 6q24.2.
Variant type: single nucleotide variant.
Coding change: c.615G>C on transcript NM_003630.3 (MANE Select); coding-DNA position 615, G replaced by C.
Protein change: p.Leu205Phe; replaces leucine 205 with phenylalanine.
Molecular consequence: missense variant.
Genome position (GRCh38, 1-based): chr6:143,472,196, G>C. VCF-style: chr6-143472196-G-C. GRCh37 (hg19) VCF-style: chr6-143793333-G-C.
Other names: short protein forms L205F.
Identifiers: ClinVar variation 1437347 (VCV001437347.8), dbSNP rs1780084538, ClinGen allele CA365912148.